The following is an entry in ClinVar:

ClinVar aggregate classification (germline): Uncertain significance (1 of 4 stars; one submission).

Conditions:
Cardiovascular phenotype. Identifiers: MedGen CN230736.

gnomAD v4.1: 1 of 1,613,868 alleles (0.000062%); highest among the groups gnomAD compares: Non-Finnish European, 0.000085%; no homozygotes.

Submission:

Ambry Genetics
Classification: Uncertain significance for Cardiovascular phenotype. Last evaluated: 2022-07-13. Review status: criteria provided, single submitter. Criteria: Ambry Variant Classification Scheme 2023. Collection method: clinical testing. Allele origin: germline.
Comment: The p.N2109K variant (also known as c.6327T>A), located in coding exon 41 of the RYR2 gene, results from a T to A substitution at nucleotide position 6327. The asparagine at codon 2109 is replaced by lysine, an amino acid with similar properties. This amino acid position is well conserved in available vertebrate species. In addition, the in silico prediction for this alteration is inconclusive. Since supporting evidence is limited at this time, the clinical significance of this alteration remains unclear.

NM_001035.3(RYR2):c.6327T>A (p.Asn2109Lys)

Gene: RYR2 (ryanodine receptor 2; plus strand). Cytogenetic location: 1q43.
Variant type: single nucleotide variant.
Coding change: c.6327T>A on transcript NM_001035.3 (MANE Select); coding-DNA position 6327, T replaced by A.
Protein change: p.Asn2109Lys; replaces asparagine 2109 with lysine.
Molecular consequence: missense variant.
Genome position (GRCh38, 1-based): chr1:237,627,967, T>A. VCF-style: chr1-237627967-T-A. GRCh37 (hg19) VCF-style: chr1-237791267-T-A.
Other names: short protein forms N2109K.
Identifiers: ClinVar variation 1752875 (VCV001752875.2), dbSNP rs754249467, ClinGen allele CA345411291.
Genomic context (GRCh38, chr1:237,627,967, plus strand): 5'-TCGGCAGTATGACGGCATTGGGGGTCTTGTTCGGGCCCTGCCAAAGACCTACACGATAAA[T>A]GGTGTGTCCGTGGAGGACACCATCAACCTGCTGGCATCCCTTGGTCAGATTCGGTCCCTG-3'
Protein context (NP_001026.2, residues 2099-2119): VRALPKTYTI[Asn2109Lys]GVSVEDTINL